The following is an entry in ClinVar:

ClinVar aggregate classification (germline): Likely benign (0 of 4 stars; one submission).

Conditions:
KIAA0319-related disorder. Also called: KIAA0319-related condition.

Allele frequency attached by ClinVar (database versions not stated): gnomAD exomes 0.00017; ExAC 0.00042; 1000 Genomes Project 30x 0.00094; 1000 Genomes Project 0.00120; ESP Exome Variant Server 0.00138; gnomAD 0.00155; TOPMed 0.00171.
gnomAD v4.1: 479 of 1,613,694 alleles (0.03%); highest among the groups gnomAD compares: African/African-American, 0.6%; no homozygotes.

Submission:

PreventionGenetics, part of Exact Sciences
Classification: Likely benign for KIAA0319-related condition. Last evaluated: 2019-04-11. Review status: no assertion criteria provided. Collection method: clinical testing. Allele origin: germline.
Comment: This variant is classified as likely benign based on ACMG/AMP sequence variant interpretation guidelines (Richards et al. 2015 PMID: 25741868, with internal and published modifications).

NM_014809.4(KIAA0319):c.1066G>A (p.Ala356Thr)

Gene: KIAA0319 (KIAA0319; minus strand). Cytogenetic location: 6p22.3.
Variant type: single nucleotide variant.
Coding change: c.1066G>A on transcript NM_014809.4 (MANE Select); coding-DNA position 1066, G replaced by A.
Protein change: p.Ala356Thr; replaces alanine 356 with threonine.
Molecular consequence: missense variant. On other transcripts: intron variant (1).
Genome position (GRCh38, 1-based): chr6:24,583,631, C>T on the plus strand (G>A on the coding strand, the complement: KIAA0319 is on the minus strand). VCF-style: chr6-24583631-C-T. GRCh37 (hg19) VCF-style: chr6-24583859-C-T.
Other names: c.1039G>A, p.Ala347Thr (NM_001168374.2); c.1066G>A, p.Ala356Thr (NM_001168375.2, NM_001168377.2, NM_001350403.2 and 2 more transcripts); c.931G>A, p.Ala311Thr (NM_001168376.2, NM_001350406.2); c.1048G>A, p.Ala350Thr (NM_001350404.2); c.610G>A, p.Ala204Thr (NM_001350409.2, NM_001350410.2); c.995-1285G>A (NM_001350405.2); short protein forms A204T, A311T, A347T, A350T, A356T.
Identifiers: ClinVar variation 3051538 (VCV003051538.2), dbSNP rs141038527, ClinGen allele CA3657659.